The following is an entry in ClinVar:

NM_001370259.2(MEN1):c.1507G>T (p.Gly503Cys)

Gene: MEN1 (menin 1; minus strand). Cytogenetic location: 11q13.1.
Variant type: single nucleotide variant.
Coding change: c.1507G>T on transcript NM_001370259.2 (MANE Select); coding-DNA position 1507, G replaced by T.
Protein change: p.Gly503Cys; replaces glycine 503 with cysteine.
Molecular consequence: missense variant.
Genome position (GRCh38, 1-based): chr11:64,804,660, C>A on the plus strand (G>T on the coding strand, the complement: MEN1 is on the minus strand). VCF-style: chr11-64804660-C-A. GRCh37 (hg19) VCF-style: chr11-64572132-C-A.
Other names: c.1522G>T, p.Gly508Cys (NM_000244.4, NM_130800.3, NM_130801.3 and 3 more transcripts); c.1633G>T, p.Gly545Cys (NM_001370251.2); c.1507G>T, p.Gly503Cys (NM_001370260.2, NM_001370261.2, NM_130799.3); c.1402G>T, p.Gly468Cys (NM_001370262.2, NM_001370263.2); c.1507G>T (NM_130799.2); short protein forms G468C, G508C, G503C, G545C.
Identifiers: ClinVar variation 1431839 (VCV001431839.9), dbSNP rs2136087052, ClinGen allele CA381178771.

ClinVar aggregate classification (germline): Uncertain significance. Review status: criteria provided, multiple submitters, no conflicts (2 of 4 stars). 2 submissions from 2 submitters: Uncertain significance (2). Last evaluated 2025-11-16.

Conditions:
Multiple endocrine neoplasia, type 1 (MEN1). Also called: MEN I; WERMER SYNDROME; Endocrine adenomatosis multiple; MEN 1; MEA I. Identifiers: Orphanet 652, MedGen C0025267, MeSH D018761, MONDO:0007540, OMIM 131100.
Hereditary cancer-predisposing syndrome. Also called: Neoplastic Syndromes, Hereditary; Hereditary Cancer Syndrome; Tumor predisposition; Hereditary neoplastic syndrome. Identifiers: Orphanet 140162, MedGen C0027672, MeSH D009386, MONDO:0015356.

Submissions (2):

Labcorp Genetics (formerly Invitae), Labcorp
Classification: Uncertain significance for Multiple endocrine neoplasia, type 1. Last evaluated: 2025-11-16. Review status: criteria provided, single submitter. Criteria: Invitae Variant Classification Sherloc (09022015). Collection method: clinical testing. Allele origin: germline.
Comment: This sequence change replaces glycine, which is neutral and non-polar, with cysteine, which is neutral and slightly polar, at codon 503 of the MEN1 protein (p.Gly503Cys). This variant is not present in population databases (gnomAD no frequency). This variant has not been reported in the literature in individuals affected with MEN1-related conditions. ClinVar contains an entry for this variant (Variation ID: 1431839). Invitae Evidence Modeling of protein sequence and biophysical properties (such as structural, functional, and spatial information, amino acid conservation, physicochemical variation, residue mobility, and thermodynamic stability) indicates that this missense variant is not expected to disrupt MEN1 protein function with a negative predictive value of 80%. In summary, the available evidence is currently insufficient to determine the role of this variant in disease. Therefore, it has been classified as a Variant of Uncertain Significance.

Ambry Genetics
Classification: Uncertain significance for Hereditary cancer-predisposing syndrome. Last evaluated: 2024-04-14. Review status: criteria provided, single submitter. Criteria: Ambry Variant Classification Scheme 2023. Collection method: clinical testing. Allele origin: germline.
Comment: The p.G503C variant (also known as c.1507G>T), located in coding exon 9 of the MEN1 gene, results from a G to T substitution at nucleotide position 1507. The glycine at codon 503 is replaced by cysteine, an amino acid with highly dissimilar properties. This amino acid position is conserved. In addition, the in silico prediction for this alteration is inconclusive. Based on the available evidence, the clinical significance of this variant remains unclear.